The following is an entry in ClinVar:

NM_000277.3(PAH):c.901C>A (p.Gln301Lys)

Genes: PAH (phenylalanine hydroxylase; minus strand), LOC126861615 (CDK7 strongly-dependent group 2 enhancer GRCh37_chr12:103244689-103245888; plus strand). Cytogenetic location: 12q23.2.
Variant type: single nucleotide variant.
Coding change: c.901C>A on transcript NM_000277.3 (MANE Select); coding-DNA position 901, C replaced by A.
Protein change: p.Gln301Lys; replaces glutamine 301 with lysine.
Molecular consequence: missense variant.
Genome position (GRCh38, 1-based): chr12:102,851,698, G>T on the plus strand (C>A on the coding strand, the complement: PAH is on the minus strand). VCF-style: chr12-102851698-G-T. GRCh37 (hg19) VCF-style: chr12-103245476-G-T.
Other names: c.901C>A, p.Gln301Lys (NM_001354304.2); short protein forms Q301K.
Identifiers: ClinVar variation 379788 (VCV000379788.5), dbSNP rs1057520732, ClinGen allele CA16606056.

ClinVar aggregate classification (germline): Conflicting classifications of pathogenicity. Review status: criteria provided, conflicting classifications (1 of 4 stars). 3 submissions from 3 submitters: Pathogenic (1); Likely pathogenic (1); Uncertain significance (1). Last evaluated 2024-03-28.

Conditions:
Phenylketonuria (PKU). Also called: OLIGOPHRENIA PHENYLPYRUVICA; Phenylketonurias; FOLLING DISEASE; Phenylketonuria (PKU). Identifiers: Orphanet 716, MedGen C0031485, MONDO:0009861, OMIM 261600. Disease mechanism: loss of function.

Allele frequency attached by ClinVar (database versions not stated): TOPMed below 0.00001.

Submissions (3):

Labcorp Genetics (formerly Invitae), Labcorp
Classification: Uncertain significance for Phenylketonuria. Last evaluated: 2024-03-28. Review status: criteria provided, single submitter. Criteria: Invitae Variant Classification Sherloc (09022015). Collection method: clinical testing. Allele origin: germline.
Comment: This sequence change replaces glutamine, which is neutral and polar, with lysine, which is basic and polar, at codon 301 of the PAH protein (p.Gln301Lys). This variant is not present in population databases (gnomAD no frequency). This variant has not been reported in the literature in individuals affected with PAH-related conditions. ClinVar contains an entry for this variant (Variation ID: 379788). Advanced modeling of protein sequence and biophysical properties (such as structural, functional, and spatial information, amino acid conservation, physicochemical variation, residue mobility, and thermodynamic stability) performed at Invitae indicates that this missense variant is not expected to disrupt PAH protein function with a negative predictive value of 80%. This variant disrupts the p.Gln301 amino acid residue in PAH. Other variant(s) that disrupt this residue have been observed in individuals with PAH-related conditions (PMID: 19292873, 21307867, 32668217; BIOPKU), which suggests that this may be a clinically significant amino acid residue. In summary, the available evidence is currently insufficient to determine the role of this variant in disease. Therefore, it has been classified as a Variant of Uncertain Significance.

Department of Pathology and Laboratory Medicine, Sinai Health System
Classification: Likely pathogenic for Phenylketonuria. Last evaluated: 2022-11-01. Review status: criteria provided, single submitter. Criteria: ACMG Guidelines, 2015. Collection method: research. Allele origin: germline.

GeneDx
Classification: Pathogenic. Last evaluated: 2015-05-13. Review status: criteria provided, single submitter. Criteria: GeneDx Variant Classification (06012015). Collection method: clinical testing. Allele origin: germline. Affected: yes.
Comment: The Q301K substitution has not been published as a pathogenic variant, nor has it beenreported as a benign polymorphism to our knowledge. Q301K was not observed in approximately 6500individuals of European and African American ancestry in the NHLBI Exome Sequencing Project. TheQ301K substitution occurs at a position that is conserved across species, in silico analysis predicts thisvariant is probably damaging to the protein structure/function, and missense variants at the same position(Q301P, Q301H) and in nearby residues (P292L/M, L293S, D296G, R297C/L/H, F299C, A300S/V,S303A/P, Q304R, I306V, G307D, L308F/V, A309D/V, S310Y/F, L311P) have been reported in theHuman Gene Mutation Database in association with phenylketonuria/ hyperphenylalaninemia (Stenson etal., 2014), supporting the functional importance of this region of the protein. Therefore, we interpretQ301K to be a pathogenic variant.

Literature cited by the submitters: PubMed 19292873 (cited by Labcorp Genetics (formerly Invitae), Labcorp); PubMed 21307867 (cited by Labcorp Genetics (formerly Invitae), Labcorp); PubMed 32668217 (cited by Labcorp Genetics (formerly Invitae), Labcorp).